The following is an entry in ClinVar:

NM_003754.3(EIF3F):c.342C>T (p.Ala114=)

Gene: EIF3F (eukaryotic translation initiation factor 3 subunit F; plus strand). Cytogenetic location: 11p15.4.
Variant type: single nucleotide variant.
Coding change: c.342C>T on transcript NM_003754.3 (MANE Select); coding-DNA position 342, C replaced by T.
Protein change: p.Ala114=; no amino-acid change (alanine 114 retained).
Molecular consequence: synonymous variant.
Genome position (GRCh38, 1-based): chr11:7,987,694, C>T. VCF-style: chr11-7987694-C-T. GRCh37 (hg19) VCF-style: chr11-8009241-C-T.
Identifiers: ClinVar variation 3055769 (VCV003055769.3), dbSNP rs12421289, ClinGen allele CA5870483.

ClinVar aggregate classification (germline): Benign. Review status: criteria provided, single submitter (1 of 4 stars). 2 submissions from 2 submitters: Benign (1). 1 of the submissions does not count toward it. Last evaluated 2024-11-27.

Conditions:
EIF3F-related disorder. Also called: EIF3F-related condition.

Allele frequency attached by ClinVar (database versions not stated): 1000 Genomes Project 0.06749; 1000 Genomes Project 30x 0.06871; TOPMed 0.12586; gnomAD 0.12800; ESP Exome Variant Server 0.13545; ExAC 0.14550.
gnomAD v4.1: 243,701 of 1,512,704 alleles (16%); highest among the groups gnomAD compares: Middle Eastern, 21%; 21,696 homozygotes.

Submissions (2):

Blueprint Genetics
Classification: Benign. Last evaluated: 2024-11-27. Review status: criteria provided, single submitter. Criteria: ACMG Guidelines, 2015. Collection method: clinical testing. Allele origin: germline.

PreventionGenetics, part of Exact Sciences
Classification: Benign for EIF3F-related condition. Last evaluated: 2019-10-18. Review status: no assertion criteria provided. Collection method: clinical testing. Allele origin: germline. Not counted in ClinVar's aggregate classification.
Comment: This variant is classified as benign based on ACMG/AMP sequence variant interpretation guidelines (Richards et al. 2015 PMID: 25741868, with internal and published modifications).